The following is an entry in ClinVar:

NM_020166.5(MCCC1):c.558del (p.Gln186fs)

Gene: MCCC1 (methylcrotonyl-CoA carboxylase subunit 1; minus strand). Cytogenetic location: 3q27.1.
Variant type: Deletion.
Coding change: c.558del on transcript NM_020166.5 (MANE Select); coding-DNA position 558, one base deleted (A; older notation c.558delA).
Protein change: p.Gln186fs; shifts the reading frame from glutamine 186.
Molecular consequence: frameshift variant. On other transcripts: non-coding transcript variant (2).
Genome position (GRCh38, 1-based): chr3:183,071,291, T deleted on the plus strand (A on the coding strand, the reverse complement: MCCC1 is on the minus strand); the first of 2 consecutive T bases (chr3:183,071,291-183,071,292); deleting either gives the same sequence. VCF-style (leftmost placement, unchanged base first): chr3-183071290-AT-A. GRCh37 (hg19) VCF-style: chr3-182789078-AT-A.
Other names: c.558delA (NM_020166.5, NM_020166.4); c.207del, p.Gln69fs (NM_001293273.2); c.231del, p.Gln77fs (NM_001363880.1); short protein forms Q186fs, Q69fs, Q77fs.
Identifiers: ClinVar variation 654523 (VCV000654523.58), dbSNP rs1212517901, ClinGen allele CA437096214.

ClinVar aggregate classification (germline): Pathogenic. Review status: criteria provided, multiple submitters, no conflicts (2 of 4 stars). 9 submissions from 9 submitters: Pathogenic (9). Last evaluated 2025-10-07.

Conditions:
MCCC1-related disorder. Also called: MCCC1-related condition.
Methylcrotonyl-CoA carboxylase deficiency. Also called: Deficiency of methylcrotonoyl-CoA carboxylase; 3-MCC Deficiency; 3 Methylcrotonylglycinuria. Identifiers: Orphanet 6, MedGen C4551505, MONDO:0018950.
3-methylcrotonyl-CoA carboxylase 1 deficiency (MCC1D). Also called: MCC 1 deficiency; 3 Alpha methylcrotonylglycinuria 1; MCCD TYPE 1; METHYLCROTONYLGLYCINURIA TYPE I. Identifiers: Orphanet 6, MedGen CN028786, MONDO:0008861, OMIM 210200.

Submissions (9):

Dasa
Classification: Pathogenic. Last evaluated: 2025-10-07. Review status: criteria provided, single submitter. Criteria: DASA Assertion Criteria. Collection method: clinical testing. Allele origin: germline.
Comment: NM_020166.5(MCCC1):c.558del (p.Gln186Hisfs*6) introduces a premature termination codon predicted to result in loss of normal protein function. Loss-of-function is an established mechanism of disease for this gene. This variant has been recurrently observed in affected individuals with related phenotype in a genotype context consistent with recessive disease (PMID: 22642865; PMID: 25356967). The variant is present at low frequency in population datasets. Based on the available data, this variant is classified as pathogenic.

Labcorp Genetics (formerly Invitae), Labcorp
Classification: Pathogenic for 3-methylcrotonyl-CoA carboxylase 1 deficiency. Last evaluated: 2025-09-07. Review status: criteria provided, single submitter. Criteria: Invitae Variant Classification Sherloc (09022015). Collection method: clinical testing. Allele origin: germline.
Comment: This sequence change creates a premature translational stop signal (p.Gln186Hisfs*6) in the MCCC1 gene. It is expected to result in an absent or disrupted protein product. Loss-of-function variants in MCCC1 are known to be pathogenic (PMID: 11181649, 15359379, 22642865). This variant is present in population databases (no rsID available, gnomAD 0.003%). This premature translational stop signal has been observed in individual(s) with 3-MCC (PMID: 22642865). ClinVar contains an entry for this variant (Variation ID: 654523). Algorithms developed to predict the effect of sequence changes on RNA splicing suggest that this variant may disrupt the consensus splice site. For these reasons, this variant has been classified as Pathogenic.

3billion
Classification: Pathogenic for 3-methylcrotonyl-CoA carboxylase 1 deficiency. Last evaluated: 2025-07-08. Review status: criteria provided, single submitter. Criteria: ACMG Guidelines, 2015. Collection method: clinical testing. Allele origin: germline. Affected: yes.
Comment: The variant is observed at an extremely low frequency in the gnomAD v4.1.0 dataset (total allele frequency: 0.002%). Predicted Consequence/Location: Frameshift: predicted to result in a loss or disruption of normal protein function through nonsense-mediated decay (NMD) or protein truncation. Multiple pathogenic variants are reported downstream of the variant. The variant has been reported at least twice as pathogenic with clinical assertions and evidence for the classification (ClinVar ID: VCV000654523 /PMID: 22264772). Therefore, this variant is classified as Pathogenic according to the recommendation of ACMG/AMP guideline.

Natera, Inc.
Classification: Pathogenic for 3-methylcrotonyl-CoA carboxylase 1 deficiency. Last evaluated: 2025-03-18. Review status: criteria provided, single submitter. Criteria: Natera Variant Classification Schema (03/2026). Collection method: clinical testing. Allele origin: germline.
Comment: The c.558delA variant in MCCC1 is a frameshift variant predicted to shift the reading frame beginning at codon 186 and leads to a stop codon 6 codons downstream. This variant is expected to result in nonsense mediated decay, truncation, or a dysfunctional protein product. This variant is rare in the general population with a frequency below the threshold expected for the associated phenotype(s). This variant has been observed in one or more individuals affected with the associated recessive disease, as either homozygous or compound heterozygous with a second variant (PMID: 25356967). Given the available evidence, this variant is classified as Pathogenic.

Baylor Genetics
Classification: Pathogenic for 3-methylcrotonyl-CoA carboxylase 1 deficiency. Last evaluated: 2024-03-14. Review status: criteria provided, single submitter. Criteria: ACMG Guidelines, 2015. Collection method: clinical testing. Allele origin: unknown.

Blueprint Genetics
Classification: Pathogenic for MCCC1-related disorders. Last evaluated: 2024-03-04. Review status: criteria provided, single submitter. Criteria: ACMG Guidelines, 2015. Collection method: clinical testing. Allele origin: germline. Affected: yes. Observed: 2 variant alleles.

Fulgent Genetics
Classification: Pathogenic for 3-methylcrotonyl-CoA carboxylase 1 deficiency. Last evaluated: 2024-02-20. Review status: criteria provided, single submitter. Criteria: ACMG Guidelines, 2015. Collection method: clinical testing. Allele origin: germline.

Women's Health and Genetics/Laboratory Corporation of America, LabCorp
Classification: Pathogenic for Methylcrotonyl-CoA carboxylase deficiency. Last evaluated: 2023-06-26. Review status: criteria provided, single submitter. Criteria: LabCorp Variant Classification Summary - May 2015. Collection method: clinical testing. Allele origin: germline.
Comment: Variant summary: MCCC1 c.558delA (p.Gln186HisfsX6) results in a premature termination codon, predicted to cause a truncation of the encoded protein or absence of the protein due to nonsense mediated decay, which are commonly known mechanisms for disease. The variant allele was found at a frequency of 1.2e-05 in 251440 control chromosomes (gnomAD). The available data on variant occurrences in the general population are insufficient to allow any conclusion about variant significance. c.558delA has been reported in the literature in both homozygous and compound heterozygous individuals affected with Methylcrotonyl-CoA Carboxylase Deficiency (e.g., Grunert_2012). These data indicate that the variant is likely to be associated with disease. At least one publication reports experimental evidence evaluating an impact on protein function. The most pronounced variant effect results in <10% of normal MCC activity in homozygous patient fibroblasts (e.g., Grunert_2012). The following publication was ascertained in the context of this evaluation (PMID: 22642865). Four submitters have cited clinical-significance assessments for this variant to ClinVar after 2014. All submitters classified the variant as pathogenic. Based on the evidence outlined above, the variant was classified as pathogenic.

CeGaT Center for Human Genetics Tuebingen
Classification: Pathogenic. Last evaluated: 2019-07-01. Review status: criteria provided, single submitter. Criteria: CeGaT Center For Human Genetics Tuebingen Variant Classification Criteria Version 2. Collection method: clinical testing. Allele origin: germline. Affected: yes. Observed: 2 variant alleles.

Literature cited by the submitters: PubMed 22642865 (cited by 3 submitters); PubMed 25356967 (cited by Dasa and Natera, Inc.); PubMed 11181649 (cited by Labcorp Genetics (formerly Invitae), Labcorp); PubMed 15359379 (cited by Labcorp Genetics (formerly Invitae), Labcorp); PubMed 22264772 (cited by 3billion).